The following continues an entry in ClinVar:

NM_000329.3(RPE65):c.1543C>T (p.Arg515Trp)

Gene: RPE65. ClinVar aggregate classification (germline): Pathogenic. Pathogenic (1).

Submissions 10 to 14 of 14:

Institute of Human Genetics, Univ. Regensburg, Univ. Regensburg
Classification: Pathogenic for Retinal dystrophy. Last evaluated: 2020-01-01. Review status: criteria provided, single submitter. Criteria: ACMG Guidelines, 2015. Collection method: clinical testing. Allele origin: germline. Affected: yes. Not counted in ClinVar's aggregate classification.

OMIM
Classification: Pathogenic for RETINITIS PIGMENTOSA 20. Last evaluated: 2004-12-01. Review status: no assertion criteria provided. Collection method: literature only. Allele origin: germline. Not counted in ClinVar's aggregate classification.

OMIM
Classification: Pathogenic for LEBER CONGENITAL AMAUROSIS 2. Last evaluated: 2004-12-01. Review status: no assertion criteria provided. Collection method: literature only. Allele origin: germline. Not counted in ClinVar's aggregate classification.

Department of Ophthalmology and Visual Sciences Kyoto University
Classification: Pathogenic for Retinitis pigmentosa. Review status: no assertion criteria provided. Collection method: not provided. Allele origin: unknown. Not counted in ClinVar's aggregate classification.
ClinVar note: Converted during submission from pathogenic to Pathogenic.

Retina International
No classification provided. Review status: no classification provided. Collection method: not provided. Allele origin: not provided. Not counted in ClinVar's aggregate classification.

Literature cited by the submitters: PubMed 15557452 (cited by 3 submitters); PubMed 26906952 (cited by Labcorp Genetics (formerly Invitae), Labcorp and Institute of Human Genetics, Univ. Regensburg, Univ. Regensburg); PubMed 29681726 (cited by Labcorp Genetics (formerly Invitae), Labcorp and Institute of Human Genetics, Univ. Regensburg, Univ. Regensburg); PubMed 31273949 (cited by 3 submitters); PubMed 25752820 (cited by 3 submitters); PubMed 34492281 (cited by 3 submitters); PubMed 36284460 (cited by Myriad Genetics, Inc. and Institute of Human Genetics, Univ. Regensburg, Univ. Regensburg); PubMed 36729443 (cited by Myriad Genetics, Inc.); PubMed 38219857 (cited by Myriad Genetics, Inc.); PubMed 38927702 (cited by Myriad Genetics, Inc.); PubMed 25495949 (cited by 3 submitters); PubMed 26626312 (cited by Natera, Inc.); PubMed 30025081 (cited by Natera, Inc.); PubMed 25324289 (cited by Women's Health and Genetics/Laboratory Corporation of America, LabCorp); PubMed 33629268 (cited by Women's Health and Genetics/Laboratory Corporation of America, LabCorp and Institute of Human Genetics, Univ. Regensburg, Univ. Regensburg); PubMed 26047050 (cited by Institute of Human Genetics, Univ. Regensburg, Univ. Regensburg); PubMed 30268864 (cited by Institute of Human Genetics, Univ. Regensburg, Univ. Regensburg); PubMed 31213501 (cited by Institute of Human Genetics, Univ. Regensburg, Univ. Regensburg); PubMed 31964843 (cited by Institute of Human Genetics, Univ. Regensburg, Univ. Regensburg); PubMed 32165824 (cited by Institute of Human Genetics, Univ. Regensburg, Univ. Regensburg); PubMed 31630094 (cited by Institute of Human Genetics, Univ. Regensburg, Univ. Regensburg); PubMed 34830511 (cited by Institute of Human Genetics, Univ. Regensburg, Univ. Regensburg); PubMed 36460718 (cited by Institute of Human Genetics, Univ. Regensburg, Univ. Regensburg).